The following is an entry in ClinVar:

ClinVar aggregate classification (germline): Uncertain significance (1 of 4 stars; one submission).

Conditions:
Hereditary cancer-predisposing syndrome. Also called: Neoplastic Syndromes, Hereditary; Tumor predisposition; Hereditary Cancer Syndrome; Hereditary neoplastic syndrome. Identifiers: Orphanet 140162, MedGen C0027672, MeSH D009386, MONDO:0015356.

Submission:

Color Diagnostics, LLC DBA Color Health
Classification: Uncertain significance for Hereditary cancer-predisposing syndrome. Last evaluated: 2024-03-07. Review status: criteria provided, single submitter. Criteria: ACMG Guidelines, 2015. Collection method: clinical testing. Allele origin: germline.
Comment: This missense variant replaces isoleucine with asparagine at codon 1121 of the APC protein. Computational prediction suggests that this variant may not impact protein structure and function (internally defined REVEL score threshold <= 0.5, PMID: 27666373). To our knowledge, functional studies have not been reported for this variant. This variant has not been reported in individuals affected with hereditary cancer in the literature. This variant has not been identified in the general population by the Genome Aggregation Database (gnomAD). The available evidence is insufficient to determine the role of this variant in disease conclusively. Therefore, this variant is classified as a Variant of Uncertain Significance.

NM_000038.6(APC):c.3362T>A (p.Ile1121Asn)

Gene: APC (APC regulator of Wnt signaling pathway; plus strand). Cytogenetic location: 5q22.2.
Variant type: single nucleotide variant.
Coding change: c.3362T>A on transcript NM_000038.6 (MANE Select); coding-DNA position 3362, T replaced by A.
Protein change: p.Ile1121Asn; replaces isoleucine 1121 with asparagine.
Molecular consequence: missense variant. On other transcripts: non-coding transcript variant (2).
Genome position (GRCh38, 1-based): chr5:112,838,956, T>A. VCF-style: chr5-112838956-T-A. GRCh37 (hg19) VCF-style: chr5-112174653-T-A.
Other names: c.3362T>A, p.Ile1121Asn (NM_001127510.3, NM_001354895.2, NM_001407450.1); c.3308T>A, p.Ile1103Asn (NM_001127511.3); c.3416T>A, p.Ile1139Asn (NM_001354896.2, NM_001407447.1, NM_001407448.1 and 1 more transcripts); c.3392T>A, p.Ile1131Asn (NM_001354897.2); c.3287T>A, p.Ile1096Asn (NM_001354898.2); c.3278T>A, p.Ile1093Asn (NM_001354899.2); c.3239T>A, p.Ile1080Asn (NM_001354900.2); c.3185T>A, p.Ile1062Asn (NM_001354901.2, NM_001407453.1); and 11 more; short protein forms I1020N, I1062N, I1096N, I1114N, I1131N, I1080N, I1149N, I961N.
Identifiers: ClinVar variation 2774921 (VCV002774921.2), dbSNP rs1161411320, ClinGen allele CA16028697.